The following is an entry in ClinVar:

ClinVar aggregate classification (germline): Conflicting classifications of pathogenicity. Review status: criteria provided, conflicting classifications (1 of 4 stars). 2 submissions from 2 submitters: Uncertain significance (1); Likely benign (1). Last evaluated 2025-08-13.

Conditions:
Inborn genetic diseases. Identifiers: MedGen C0950123, MeSH D030342.
Pyruvate dehydrogenase E3 deficiency (DLDD). Also called: Dihydrolipoamide Dehydrogenase Deficiency; MAPLE SYRUP URINE DISEASE, TYPE III; Dihydrolipoamide Dehydrogenase E3 Deficiency; DLD DEFICIENCY; E3 DEFICIENCY; Lipoamide dehydrogenase deficiency. Identifiers: Orphanet 2394, Orphanet 765, MedGen C5574660, MONDO:0009529, OMIM 246900.

Allele frequency attached by ClinVar (database versions not stated): ExAC 0.00001; gnomAD 0.00001; gnomAD exomes 0.00001; TOPMed 0.00001.
gnomAD v4.1: 12 of 1,613,590 alleles (0.00074%); highest among the groups gnomAD compares: East Asian, 0.0045%; no homozygotes.

Submissions (2):

Ambry Genetics
Classification: Likely benign for Inborn genetic diseases. Last evaluated: 2025-08-13. Review status: criteria provided, single submitter. Criteria: Ambry Variant Classification Scheme 2023. Collection method: clinical testing. Allele origin: germline.

Labcorp Genetics (formerly Invitae), Labcorp
Classification: Uncertain significance for Pyruvate dehydrogenase E3 deficiency. Last evaluated: 2022-04-06. Review status: criteria provided, single submitter. Criteria: Invitae Variant Classification Sherloc (09022015). Collection method: clinical testing. Allele origin: germline.
Comment: This sequence change replaces isoleucine, which is neutral and non-polar, with valine, which is neutral and non-polar, at codon 20 of the DLD protein (p.Ile20Val). This variant is present in population databases (rs780884637, gnomAD 0.003%). This variant has not been reported in the literature in individuals affected with DLD-related conditions. Algorithms developed to predict the effect of missense changes on protein structure and function output the following: SIFT: "Tolerated"; PolyPhen-2: "Benign"; Align-GVGD: "Class C0". The valine amino acid residue is found in multiple mammalian species, which suggests that this missense change does not adversely affect protein function. In summary, the available evidence is currently insufficient to determine the role of this variant in disease. Therefore, it has been classified as a Variant of Uncertain Significance.

NM_000108.5(DLD):c.58A>G (p.Ile20Val)

Gene: DLD (dihydrolipoamide dehydrogenase; plus strand). Cytogenetic location: 7q31.1.
Variant type: single nucleotide variant.
Coding change: c.58A>G on transcript NM_000108.5 (MANE Select); coding-DNA position 58, A replaced by G.
Protein change: p.Ile20Val; replaces isoleucine 20 with valine.
Molecular consequence: missense variant. On other transcripts: 5 prime UTR variant (1).
Genome position (GRCh38, 1-based): chr7:107,893,218, A>G. VCF-style: chr7-107893218-A-G. GRCh37 (hg19) VCF-style: chr7-107533663-A-G.
Other names: c.58A>G (NM_000108.3); c.-91A>G (NM_001289750.1); c.58A>G, p.Ile20Val (NM_001289751.1, NM_001289752.1); short protein forms I20V.
Identifiers: ClinVar variation 2144262 (VCV002144262.2), dbSNP rs780884637, ClinGen allele CA4434341.